The following is an entry in ClinVar:

ClinVar aggregate classification (germline): Uncertain significance. Review status: criteria provided, multiple submitters, no conflicts (2 of 4 stars). 3 submissions from 3 submitters: Uncertain significance (3). Last evaluated 2026-01-13.

Conditions:
Familial adenomatous polyposis 1 (FAP1). Also called: FAMILIAL ADENOMATOUS POLYPOSIS 1, ATTENUATED; POLYPOSIS, ADENOMATOUS INTESTINAL. Identifiers: MedGen C2713442, MONDO:0021056, OMIM 175100. Disease mechanism: loss of function.
Hereditary cancer-predisposing syndrome. Also called: Hereditary neoplastic syndrome; Tumor predisposition; Neoplastic Syndromes, Hereditary; Hereditary Cancer Syndrome. Identifiers: Orphanet 140162, MedGen C0027672, MeSH D009386, MONDO:0015356.

Allele frequency attached by ClinVar (database versions not stated): gnomAD exomes below 0.00001.
gnomAD v4.1: 6 of 1,614,092 alleles (0.00037%); highest among the groups gnomAD compares: Non-Finnish European, 0.00051%; no homozygotes.

Submissions (3):

Labcorp Genetics (formerly Invitae), Labcorp
Classification: Uncertain significance for Familial adenomatous polyposis 1. Last evaluated: 2026-01-13. Review status: criteria provided, single submitter. Criteria: Invitae Variant Classification Sherloc (09022015). Collection method: clinical testing. Allele origin: germline.
Comment: This sequence change replaces glutamic acid, which is acidic and polar, with glycine, which is neutral and non-polar, at codon 1673 of the APC protein (p.Glu1673Gly). This variant is not present in population databases (gnomAD no frequency). This variant has not been reported in the literature in individuals affected with APC-related conditions. ClinVar contains an entry for this variant (Variation ID: 655278). Invitae Evidence Modeling of protein sequence and biophysical properties (such as structural, functional, and spatial information, amino acid conservation, physicochemical variation, residue mobility, and thermodynamic stability) indicates that this missense variant is not expected to disrupt APC protein function with a negative predictive value of 95%. In summary, the available evidence is currently insufficient to determine the role of this variant in disease. Therefore, it has been classified as a Variant of Uncertain Significance.

Ambry Genetics
Classification: Uncertain significance for Hereditary cancer-predisposing syndrome. Last evaluated: 2024-06-24. Review status: criteria provided, single submitter. Criteria: Ambry Variant Classification Scheme 2023. Collection method: clinical testing. Allele origin: germline.
Comment: The p.E1673G variant (also known as c.5018A>G), located in coding exon 15 of the APC gene, results from an A to G substitution at nucleotide position 5018. The glutamic acid at codon 1673 is replaced by glycine, an amino acid with similar properties. This amino acid position is conserved. In addition, in silico predictors for this gene do not accurately predict pathogenicity. Based on the available evidence, the clinical significance of this variant remains unclear.

Color Diagnostics, LLC DBA Color Health
Classification: Uncertain significance for Hereditary cancer-predisposing syndrome. Last evaluated: 2024-03-06. Review status: criteria provided, single submitter. Criteria: ACMG Guidelines, 2015. Collection method: clinical testing. Allele origin: germline.
Comment: This missense variant replaces glutamic acid with glycine at codon 1673 of the APC protein. Computational prediction suggests that this variant may not impact protein structure and function (internally defined REVEL score threshold <= 0.5, PMID: 27666373). To our knowledge, functional studies have not been reported for this variant. This variant has not been reported in individuals affected with hereditary cancer in the literature. This variant has not been identified in the general population by the Genome Aggregation Database (gnomAD). The available evidence is insufficient to determine the role of this variant in disease conclusively. Therefore, this variant is classified as a Variant of Uncertain Significance.

NM_000038.6(APC):c.5018A>G (p.Glu1673Gly)

Gene: APC (APC regulator of Wnt signaling pathway; plus strand). Cytogenetic location: 5q22.2.
Variant type: single nucleotide variant.
Coding change: c.5018A>G on transcript NM_000038.6 (MANE Select); coding-DNA position 5018, A replaced by G.
Protein change: p.Glu1673Gly; replaces glutamic acid 1673 with glycine.
Molecular consequence: missense variant.
Genome position (GRCh38, 1-based): chr5:112,840,612, A>G. VCF-style: chr5-112840612-A-G. GRCh37 (hg19) VCF-style: chr5-112176309-A-G.
Other names: c.5018A>G, p.Glu1673Gly (NM_001127510.3, NM_001354895.2); c.4964A>G, p.Glu1655Gly (NM_001127511.3); c.5072A>G, p.Glu1691Gly (NM_001354896.2); c.5048A>G, p.Glu1683Gly (NM_001354897.2); c.4943A>G, p.Glu1648Gly (NM_001354898.2); c.4934A>G, p.Glu1645Gly (NM_001354899.2); c.4895A>G, p.Glu1632Gly (NM_001354900.2); c.4841A>G, p.Glu1614Gly (NM_001354901.2); and 5 more; short protein forms E1582G, E1645G, E1572G, E1648G, E1673G, E1513G, E1547G, E1614G.
Identifiers: ClinVar variation 655278 (VCV000655278.15), dbSNP rs1580655277, ClinGen allele CA16032310.